The following is an entry in ClinVar:

ClinVar aggregate classification (germline): Benign/Likely benign. Review status: criteria provided, multiple submitters, no conflicts (2 of 4 stars). 6 submissions from 5 submitters: Benign (3); Likely benign (2). 1 of the submissions does not count toward it. Last evaluated 2026-02-01.

Conditions:
Leigh syndrome (NULS). Also called: Leigh Syndrome (mtDNA deletion); Leigh's syndrome; Leigh Disease; Subacute necrotizing encephalopathy; Necrotizing encephalopathy infantile subacute of Leigh; Leigh's necrotizing encephalopathy. Identifiers: Orphanet 506, MedGen C2931891, MONDO:0009723, OMIM 256000.
Mitochondrial complex IV deficiency, nuclear type 1 (MC4DN1). Also called: Mitochondrial complex IV deficiency; Complex 4 mitochondrial respiratory chain deficiency; Deficiency of mitochondrial respiratory chain complex4; Complex IV deficiency; COX DEFICIENCY. Identifiers: MedGen C5435656, MONDO:0700250, OMIM 220110. Disease mechanism: loss of function.

Allele frequency attached by ClinVar (database versions not stated): gnomAD 0.01758; TOPMed 0.02136; ESP Exome Variant Server 0.02199; 1000 Genomes Project 0.02356; 1000 Genomes Project 30x 0.02420.
gnomAD v4.1: 5,629 of 1,614,190 alleles (0.35%); highest among the groups gnomAD compares: African/African-American, 6.4%; 171 homozygotes.

Submissions (11):

Labcorp Genetics (formerly Invitae), Labcorp
Classification: Benign. Last evaluated: 2026-02-01. Review status: criteria provided, single submitter. Criteria: Invitae Variant Classification Sherloc (09022015). Collection method: clinical testing. Allele origin: germline.

Illumina Laboratory Services, Illumina
Classification: Benign for Leigh syndrome. Last evaluated: 2018-01-12. Review status: criteria provided, single submitter. Criteria: ICSL Variant Classification Criteria 13 December 2019. Collection method: clinical testing. Allele origin: germline.
Comment: This variant was observed in the ICSL laboratory as part of a predisposition screen in an ostensibly healthy population. It had not been previously curated by ICSL or reported in the Human Gene Mutation Database (HGMD: prior to June 1st, 2018), and was therefore a candidate for classification through an automated scoring system. Utilizing variant allele frequency, disease prevalence and penetrance estimates, and inheritance mode, an automated score was calculated to assess if this variant is too frequent to cause the disease. Based on the score and internal cut-off values, a variant classified as benign is not then subjected to further curation. The score for this variant resulted in a classification of benign for this disease.

Illumina Laboratory Services, Illumina
Classification: Likely benign for Mitochondrial complex IV deficiency, nuclear type 1. Last evaluated: 2018-01-12. Review status: criteria provided, single submitter. Criteria: ICSL Variant Classification Criteria 13 December 2019. Collection method: clinical testing. Allele origin: germline.
Comment: This variant was observed in the ICSL laboratory as part of a predisposition screen in an ostensibly healthy population. It had not been previously curated by ICSL or reported in the Human Gene Mutation Database (HGMD: prior to June 1st, 2018), and was therefore a candidate for classification through an automated scoring system. Utilizing variant allele frequency, disease prevalence and penetrance estimates, and inheritance mode, an automated score was calculated to assess if this variant is too frequent to cause the disease. Based on the score and internal cut-off values, a variant classified as likely benign is not then subjected to further curation. The score for this variant resulted in a classification of likely benign for this disease.

GeneDx
Classification: Benign. Last evaluated: 2014-04-17. Review status: criteria provided, single submitter. Criteria: GeneDx Variant Classification (06012015). Collection method: clinical testing. Allele origin: germline. Affected: yes.
Comment: This variant is considered likely benign or benign based on one or more of the following criteria: it is a conservative change, it occurs at a poorly conserved position in the protein, it is predicted to be benign by multiple in silico algorithms, and/or has population frequency not consistent with disease.

Breakthrough Genomics
Classification: Likely benign. Review status: criteria provided, single submitter. Criteria: ACMG Guidelines, 2015. Collection method: not provided. Allele origin: germline. Inheritance: Autosomal recessive inheritance. Affected: yes.

Mayo Clinic Laboratories, Mayo Clinic
Classification: Benign. Last evaluated: 2017-10-25. Review status: no assertion criteria provided. Collection method: clinical testing. Allele origin: unknown. Not counted in ClinVar's aggregate classification.

Dr. Peter K. Rogan Lab, Western University
No classification provided (evidence only). Condition: Uterine corpus endometrial carcinoma. Review status: no classification provided. Collection method: in vitro. Allele origin: not applicable. Functional consequence: retained intron. Not counted in ClinVar's aggregate classification.

Dr. Peter K. Rogan Lab, Western University
No classification provided (evidence only). Condition: Uterine corpus endometrial carcinoma. Review status: no classification provided. Collection method: in vitro. Allele origin: not applicable. Functional consequence: retained intron. Not counted in ClinVar's aggregate classification.

Dr. Peter K. Rogan Lab, Western University
No classification provided (evidence only). Condition: Sarcoma. Review status: no classification provided. Collection method: in vitro. Allele origin: not applicable. Functional consequence: skipped exon. Not counted in ClinVar's aggregate classification.

Dr. Peter K. Rogan Lab, Western University
No classification provided (evidence only). Condition: Ovarian serous cystadenocarcinoma. Review status: no classification provided. Collection method: in vitro. Allele origin: not applicable. Functional consequence: retained intron. Not counted in ClinVar's aggregate classification.

Dr. Peter K. Rogan Lab, Western University
No classification provided (evidence only). Condition: Gastric cancer. Review status: no classification provided. Collection method: in vitro. Allele origin: not applicable. Functional consequence: retained intron. Not counted in ClinVar's aggregate classification.

NM_001303.4(COX10):c.290A>G (p.Tyr97Cys)

Gene: COX10 (cytochrome c oxidase assembly factor heme A:farnesyltransferase COX10; plus strand). Cytogenetic location: 17p12.
Variant type: single nucleotide variant.
Coding change: c.290A>G on transcript NM_001303.4 (MANE Select); coding-DNA position 290, A replaced by G.
Protein change: p.Tyr97Cys; replaces tyrosine 97 with cysteine.
Molecular consequence: missense variant.
Genome position (GRCh38, 1-based): chr17:14,076,847, A>G. VCF-style: chr17-14076847-A-G. GRCh37 (hg19) VCF-style: chr17-13980164-A-G.
Other names: p.Y97C:TAT>TGT; short protein forms Y97C.
Identifiers: ClinVar variation 137007 (VCV000137007.20), dbSNP rs16948986, ClinGen allele CA290474.
Genomic context (GRCh38, chr17:14,076,847, plus strand): 5'-AACCAGTAGCATCTCCTTTCCTTGAAAAAACATCTTCAGGTCAAGCCAAAGCAGAAATAT[A>G]TGAGATGAGACCTCTCTCACCGCCCAGCCTATCTTTGTCCAGAAAGCCAAATGAAAAGGA-3'
Protein context (NP_001294.2, residues 87-107): TSSGQAKAEI[Tyr97Cys]EMRPLSPPSL